The following is an entry in ClinVar:

NM_001813.3(CENPE):c.2744A>C (p.Glu915Ala)

Gene: CENPE (centromere protein E; minus strand). Cytogenetic location: 4q24.
Variant type: single nucleotide variant.
Coding change: c.2744A>C on transcript NM_001813.3 (MANE Select); coding-DNA position 2744, A replaced by C.
Protein change: p.Glu915Ala; replaces glutamic acid 915 with alanine.
Molecular consequence: missense variant.
Genome position (GRCh38, 1-based): chr4:103,158,744, T>G on the plus strand (A>C on the coding strand, the complement: CENPE is on the minus strand). VCF-style: chr4-103158744-T-G. GRCh37 (hg19) VCF-style: chr4-104079901-T-G.
Other names: c.2669A>C, p.Glu890Ala (NM_001286734.2); short protein forms E890A, E915A.
Identifiers: ClinVar variation 3897293 (VCV003897293.1).
Genomic context (GRCh38, chr4:103,158,744, plus strand): 5'-TTTAGATCATCTTTTTCTTGAGTTAAAGTTTTTACTTCTTCTAAAGTTTGCTGCAGTTTC[T>G]CAGTAATCAGTGTTTTCTCCCTTTCTACAGTTTGCAGCGTAGAATCTCTATTTTCTAATT-3'
Protein context (NP_001804.2, residues 905-925): TVEREKTLIT[Glu915Ala]KLQQTLEEVK

ClinVar aggregate classification (germline): Uncertain significance (1 of 4 stars; one submission).

gnomAD v4.1: 8 of 1,613,132 alleles (0.0005%); highest among the groups gnomAD compares: Admixed American, 0.013%; no homozygotes.

Submission:

GeneDx
Classification: Uncertain significance. Last evaluated: 2024-10-29. Review status: criteria provided, single submitter. Criteria: GeneDx Variant Classification Process June 2021. Collection method: clinical testing. Allele origin: germline. Affected: yes.
Comment: Not observed at significant frequency in large population cohorts (gnomAD); In silico analysis supports that this missense variant has a deleterious effect on protein structure/function; Has not been previously published as pathogenic or benign to our knowledge